The following is an entry in ClinVar:

NM_001024845.3(SLC6A9):c.1780G>A (p.Ala594Thr)

Gene: SLC6A9 (solute carrier family 6 member 9; minus strand). Cytogenetic location: 1p34.1.
Variant type: single nucleotide variant.
Coding change: c.1780G>A on transcript NM_001024845.3 (MANE Select); coding-DNA position 1780, G replaced by A.
Protein change: p.Ala594Thr; replaces alanine 594 with threonine.
Molecular consequence: missense variant. On other transcripts: non-coding transcript variant (1).
Genome position (GRCh38, 1-based): chr1:43,997,667, C>T on the plus strand (G>A on the coding strand, the complement: SLC6A9 is on the minus strand). VCF-style: chr1-43997667-C-T. GRCh37 (hg19) VCF-style: chr1-44463339-C-T.
Other names: c.1792G>A, p.Ala598Thr (NM_001261380.2); c.1447G>A, p.Ala483Thr (NM_001328626.2); c.1717G>A, p.Ala573Thr (NM_001328627.1); c.1585G>A, p.Ala529Thr (NM_001328628.1); c.1780G>A, p.Ala594Thr (NM_001328629.1); c.1276G>A, p.Ala426Thr (NM_001328630.2); c.1837G>A, p.Ala613Thr (NM_006934.4); c.1999G>A, p.Ala667Thr (NM_201649.4); short protein forms A426T, A573T, A594T, A483T, A529T, A598T, A613T, A667T.
Identifiers: ClinVar variation 1368935 (VCV001368935.4), dbSNP rs2286247, ClinGen allele CA817354.

ClinVar aggregate classification (germline): Uncertain significance (1 of 4 stars; one submission).

Conditions:
Atypical glycine encephalopathy. Also called: Glycine encephalopathy with normal serum glycine. Identifiers: Orphanet 289863, MedGen C4310943, MONDO:0015010, OMIM 617301.

Allele frequency attached by ClinVar (database versions not stated): ExAC 0.00002; gnomAD exomes 0.00003 and 0.00004; gnomAD 0.00004 and 0.00005; TOPMed 0.00005; 1000 Genomes Project 30x 0.00016; 1000 Genomes Project 0.00020.
gnomAD v4.1: 54 of 1,613,636 alleles (0.0033%); highest among the groups gnomAD compares: Middle Eastern, 0.017%; no homozygotes.

Submission:

Labcorp Genetics (formerly Invitae), Labcorp
Classification: Uncertain significance for Atypical glycine encephalopathy. Last evaluated: 2025-10-03. Review status: criteria provided, single submitter. Criteria: Invitae Variant Classification Sherloc (09022015). Collection method: clinical testing. Allele origin: germline.
Comment: This sequence change replaces alanine, which is neutral and non-polar, with threonine, which is neutral and polar, at codon 667 of the SLC6A9 protein (p.Ala667Thr). This variant is present in population databases (rs2286247, gnomAD 0.02%). This variant has not been reported in the literature in individuals affected with SLC6A9-related conditions. ClinVar contains an entry for this variant (Variation ID: 1368935). An algorithm developed to predict the effect of missense changes on protein structure and function (PolyPhen-2) suggests that this variant is likely to be tolerated. In summary, the available evidence is currently insufficient to determine the role of this variant in disease. Therefore, it has been classified as a Variant of Uncertain Significance.